The following is an entry in ClinVar:

ClinVar aggregate classification (germline): Benign. Review status: criteria provided, multiple submitters, no conflicts (2 of 4 stars). 2 submissions from 2 submitters: Benign (2). Last evaluated 2018-01-12.

Conditions:
Autosomal dominant cerebellar ataxia. Also called: Spinocerebellar Ataxia, Dominant. Identifiers: Orphanet 99, MedGen C4087347, MONDO:0020380.

Allele frequency attached by ClinVar (database versions not stated): 1000 Genomes Project 0.04253; 1000 Genomes Project 30x 0.04435; TOPMed 0.05212; gnomAD 0.05347 and 0.05655; gnomAD exomes 0.06542.
gnomAD v4.1: 8,115 of 152,500 alleles (5.3%); highest among the groups gnomAD compares: African/African-American, 11%; 311 homozygotes.

Submissions (2):

Illumina Laboratory Services, Illumina
Classification: Benign for Spinocerebellar Ataxia, Dominant. Last evaluated: 2018-01-12. Review status: criteria provided, single submitter. Criteria: ICSL Variant Classification Criteria 13 December 2019. Collection method: clinical testing. Allele origin: germline.
Comment: This variant was observed in the ICSL laboratory as part of a predisposition screen in an ostensibly healthy population. It had not been previously curated by ICSL or reported in the Human Gene Mutation Database (HGMD: prior to June 1st, 2018), and was therefore a candidate for classification through an automated scoring system. Utilizing variant allele frequency, disease prevalence and penetrance estimates, and inheritance mode, an automated score was calculated to assess if this variant is too frequent to cause the disease. Based on the score and internal cut-off values, a variant classified as benign is not then subjected to further curation. The score for this variant resulted in a classification of benign for this disease.

Breakthrough Genomics
Classification: Benign. Review status: criteria provided, single submitter. Criteria: ACMG Guidelines, 2015. Collection method: not provided. Allele origin: germline. Inheritance: Autosomal dominant inheritance. Affected: yes.

NM_001378452.1(ITPR1):c.*847G>A

Gene: ITPR1 (inositol 1,4,5-trisphosphate receptor type 1; plus strand). Cytogenetic location: 3p26.1.
Variant type: single nucleotide variant.
Coding change: c.*847G>A on transcript NM_001378452.1 (MANE Select); 847 bases downstream of the stop codon, G replaced by A.
Molecular consequence: 3 prime UTR variant.
Genome position (GRCh38, 1-based): chr3:4,847,072, G>A. VCF-style: chr3-4847072-G-A. GRCh37 (hg19) VCF-style: chr3-4888756-G-A.
Other names: c.*847G>A (NM_001099952.4, NM_001168272.2, NM_002222.7).
Identifiers: ClinVar variation 345910 (VCV000345910.6), dbSNP rs41304181, ClinGen allele CA10619076.